The following is an entry in ClinVar:

NM_001843.4(CNTN1):c.2185-344G>C

Gene: CNTN1 (contactin 1; plus strand). Cytogenetic location: 12q12.
Variant type: single nucleotide variant.
Coding change: c.2185-344G>C on transcript NM_001843.4 (MANE Select); 344 bases into the intron before coding-DNA position 2185, G replaced by C.
Molecular consequence: intron variant.
Genome position (GRCh38, 1-based): chr12:41,016,338, G>C. VCF-style: chr12-41016338-G-C. GRCh37 (hg19) VCF-style: chr12-41410140-G-C.
Other names: c.2152-344G>C (NM_175038.2).
Identifiers: ClinVar variation 673684 (VCV000673684.1), dbSNP rs61924397, ClinGen allele CA235947625.

ClinVar aggregate classification (germline): Likely benign (1 of 4 stars; one submission).

Allele frequency attached by ClinVar (database versions not stated): 1000 Genomes Project 30x 0.01546; 1000 Genomes Project 0.01597; TOPMed 0.02216; gnomAD 0.02422 and 0.02539.
gnomAD v4.1: 3,675 of 152,240 alleles (2.4%); highest among the groups gnomAD compares: African/African-American, 3.1%; 77 homozygotes.

Submission:

GeneDx
Classification: Likely benign. Last evaluated: 2018-06-16. Review status: criteria provided, single submitter. Criteria: GeneDx Variant Classification (06012015). Collection method: clinical testing. Allele origin: germline. Affected: yes.
Comment: This variant is considered likely benign or benign based on one or more of the following criteria: it is a conservative change, it occurs at a poorly conserved position in the protein, it is predicted to be benign by multiple in silico algorithms, and/or has population frequency not consistent with disease.